The following is an entry in ClinVar:

NM_001257096.2(PAX1):c.*83G>C

Gene: PAX1 (paired box 1; plus strand). Cytogenetic location: 20p11.22.
Variant type: single nucleotide variant.
Coding change: c.*83G>C on transcript NM_001257096.2 (MANE Select); 83 bases downstream of the stop codon, G replaced by C.
Molecular consequence: 3 prime UTR variant. On other transcripts: missense variant (1).
Genome position (GRCh38, 1-based): chr20:21,714,645, G>C. VCF-style: chr20-21714645-G-C. GRCh37 (hg19) VCF-style: chr20-21695283-G-C.
Other names: c.1447G>C, p.Gly483Arg (NM_006192.5); short protein forms G483R.
Identifiers: ClinVar variation 2148376 (VCV002148376.3), dbSNP rs772587535, ClinGen allele CA9786792.

ClinVar aggregate classification (germline): Uncertain significance (1 of 4 stars; one submission).

Allele frequency attached by ClinVar (database versions not stated): gnomAD 0.00003; TOPMed 0.00004; ExAC 0.00008; 1000 Genomes Project 30x 0.00016.
gnomAD v4.1: 53 of 1,588,282 alleles (0.0033%); highest among the groups gnomAD compares: East Asian, 0.0068%; no homozygotes.

Submission:

Labcorp Genetics (formerly Invitae), Labcorp
Classification: Uncertain significance. Last evaluated: 2024-07-29. Review status: criteria provided, single submitter. Criteria: Invitae Variant Classification Sherloc (09022015). Collection method: clinical testing. Allele origin: germline.
Comment: This sequence change replaces glycine, which is neutral and non-polar, with arginine, which is basic and polar, at codon 483 of the PAX1 protein (p.Gly483Arg). This variant is present in population databases (rs772587535, gnomAD 0.02%). This variant has not been reported in the literature in individuals affected with PAX1-related conditions. ClinVar contains an entry for this variant (Variation ID: 2148376). An algorithm developed to predict the effect of missense changes on protein structure and function outputs the following: PolyPhen-2: "Benign". The arginine amino acid residue is found in multiple mammalian species, which suggests that this missense change does not adversely affect protein function. In summary, the available evidence is currently insufficient to determine the role of this variant in disease. Therefore, it has been classified as a Variant of Uncertain Significance.